The following is an entry in ClinVar:

ClinVar aggregate classification (germline): Pathogenic. Review status: criteria provided, multiple submitters, no conflicts (2 of 4 stars). 4 submissions from 4 submitters: Pathogenic (3). 1 of the submissions does not count toward it. Last evaluated 2026-01-20.

Conditions:
Granulomatous disease, chronic, autosomal recessive, cytochrome b-positive, type 2. Also called: Chronic granulomatous disease due to deficiency of NCF-2; GRANULOMATOUS DISEASE, CHRONIC, AUTOSOMAL RECESSIVE, 2; GRANULOMATOUS DISEASE, CHRONIC, DUE TO NCF2 DEFICIENCY; CGD, AUTOSOMAL RECESSIVE CYTOCHROME b-POSITIVE, TYPE II; Chronic Granulomatous Disease, Autosomal Recessive, Cytochrome b-Positive, Type II. Identifiers: Orphanet 379, MedGen C1856245, MONDO:0009310, OMIM 233710.

Allele frequency attached by ClinVar (database versions not stated): ExAC 0.00005; gnomAD 0.00002; gnomAD exomes 0.00004 and 0.00002; ESP Exome Variant Server 0.00008; TOPMed 0.00003.

Submissions (4):

Labcorp Genetics (formerly Invitae), Labcorp
Classification: Pathogenic for Granulomatous disease, chronic, autosomal recessive, cytochrome b-positive, type 2. Last evaluated: 2026-01-20. Review status: criteria provided, single submitter. Criteria: Invitae Variant Classification Sherloc (09022015). Collection method: clinical testing. Allele origin: germline.
Comment: This sequence change creates a premature translational stop signal (p.Arg102*) in the NCF2 gene. It is expected to result in an absent or disrupted protein product. Loss-of-function variants in NCF2 are known to be pathogenic (PMID: 10498624, 20167518). This variant is present in population databases (rs374402066, gnomAD 0.008%). This premature translational stop signal has been observed in individual(s) with chronic granulomatous disease (PMID: 10498624). ClinVar contains an entry for this variant (Variation ID: 2241). For these reasons, this variant has been classified as Pathogenic.

Fulgent Genetics
Classification: Pathogenic for Granulomatous disease, chronic, autosomal recessive, cytochrome b-positive, type 2. Last evaluated: 2024-03-29. Review status: criteria provided, single submitter. Criteria: ACMG Guidelines, 2015. Collection method: clinical testing. Allele origin: germline.

3billion
Classification: Pathogenic for Granulomatous disease, chronic, autosomal recessive, cytochrome b-positive, type 2. Last evaluated: 2023-06-23. Review status: criteria provided, single submitter. Criteria: ACMG Guidelines, 2015. Collection method: clinical testing. Allele origin: germline. Affected: yes.
Comment: The variant is observed at an extremely low frequency in the gnomAD v2.1.1 dataset (total allele frequency: 0.004%). Predicted Consequence/Location: Stop-gained (nonsense): predicted to result in a loss or disruption of normal protein function through nonsense-mediated decay (NMD) or protein truncation. Multiple pathogenic variants are reported downstream of the variant. The variant has been reported at least twice as pathogenic without evidence for the classification (ClinVar ID: VCV000002241 /PMID: 10498624). Therefore, this variant is classified as Pathogenic according to the recommendation of ACMG/AMP guideline.

OMIM
Classification: Pathogenic for GRANULOMATOUS DISEASE, CHRONIC, AUTOSOMAL RECESSIVE, 2. Last evaluated: 1999-10-01. Review status: no assertion criteria provided. Collection method: literature only. Allele origin: germline. Not counted in ClinVar's aggregate classification.

Literature cited by the submitters: PubMed 10498624 (cited by 3 submitters); PubMed 20167518 (cited by Labcorp Genetics (formerly Invitae), Labcorp).

NM_000433.4(NCF2):c.304C>T (p.Arg102Ter)

Gene: NCF2 (neutrophil cytosolic factor 2; minus strand). Cytogenetic location: 1q25.3.
Variant type: single nucleotide variant.
Coding change: c.304C>T on transcript NM_000433.4 (MANE Select); coding-DNA position 304, C replaced by T.
Protein change: p.Arg102Ter; replaces arginine 102 with a stop codon.
Molecular consequence: nonsense.
Genome position (GRCh38, 1-based): chr1:183,577,661, G>A on the plus strand (C>T on the coding strand, the complement: NCF2 is on the minus strand). VCF-style: chr1-183577661-G-A. GRCh37 (hg19) VCF-style: chr1-183546796-G-A.
Other names: 304C-T; c.304C>T, p.Arg102Ter (NM_001127651.3, NM_001190789.2, NM_001190794.2); short protein forms R102*.
Identifiers: ClinVar variation 2241 (VCV000002241.12), dbSNP rs374402066, ClinGen allele CA212789.